The following is an entry in ClinVar:

NM_005591.4(MRE11):c.745_747dup (p.Cys249dup)

Gene: MRE11 (MRE11 double strand break repair nuclease; minus strand). Cytogenetic location: 11q21.
Variant type: Duplication.
Coding change: c.745_747dup on transcript NM_005591.4 (MANE Select); coding-DNA positions 745 to 747, 3 bases duplicated (TGT; older notation c.745_747dupTGT).
Protein change: p.Cys249dup; duplicates cysteine 249.
Molecular consequence: inframe insertion.
Genome position (GRCh38, 1-based): chr11:94,471,672-94,471,674, ACA duplicated on the plus strand (TGT on the coding strand, the reverse complement: MRE11 is on the minus strand). VCF-style (leftmost placement, unchanged base first): chr11-94471671-T-TACA. GRCh37 (hg19) VCF-style: chr11-94204837-T-TACA.
Other names: c.745_747dup (NM_005591.3); c.745_747dup, p.Cys249dup (NM_001330347.2, NM_005590.4); c.745_747dupTGT (NM_005591.3).
Identifiers: ClinVar variation 827059 (VCV000827059.5), dbSNP rs1591695249, ClinGen allele CA915948785.
Genomic context (GRCh38, chr11:94,471,671, plus strand): 5'-CTGAGCTTCCAGGTTGTGAGATATAAAACAGCTGTTGTTCATTTTTGGTTGGAGCTATTT[T>TACA]ACACTCATGTTCATGGCCCCAGATAACAAGATCAATGAAGTCATCCAAAAATTGTTCTGG-3'

ClinVar aggregate classification (germline): Uncertain significance. Review status: criteria provided, multiple submitters, no conflicts (2 of 4 stars). 2 submissions from 2 submitters: Uncertain significance (2). Last evaluated 2025-10-15.

Conditions:
Hereditary cancer-predisposing syndrome. Also called: Tumor predisposition; Hereditary Cancer Syndrome; Neoplastic Syndromes, Hereditary; Hereditary neoplastic syndrome. Identifiers: Orphanet 140162, MedGen C0027672, MeSH D009386, MONDO:0015356.

Allele frequency attached by ClinVar (database versions not stated): gnomAD exomes below 0.00001.

Submissions (2):

Praxis Für Humangenetik, Biosciencia MVZ Labor Saar
Classification: Uncertain significance for Hereditary cancer-predisposing syndrome. Last evaluated: 2025-10-15. Review status: criteria provided, single submitter. Criteria: ACMG Guidelines, 2015. Collection method: clinical testing. Allele origin: germline.
Comment: PM2, PM4

Ambry Genetics
Classification: Uncertain significance for Hereditary cancer-predisposing syndrome. Last evaluated: 2019-05-02. Review status: criteria provided, single submitter. Criteria: Ambry Variant Classification Scheme 2023. Collection method: clinical testing. Allele origin: germline.
Comment: The c.745_747dupTGT variant (also known as p.C249dup), located in coding exon 7 of the MRE11A gene, results from an in-frame duplication of TGT at nucleotide positions 745 to 747. This results in the duplication of an extra cysteine residue between codons 249 and 250. This amino acid position is highly conserved in available vertebrate species. Since supporting evidence is limited at this time, the clinical significance of this alteration remains unclear.